The following is an entry in ClinVar:

ClinVar aggregate classification (germline): Uncertain significance (1 of 4 stars; one submission).

Submission:

Labcorp Genetics (formerly Invitae), Labcorp
Classification: Uncertain significance. Last evaluated: 2025-08-21. Review status: criteria provided, single submitter. Criteria: Invitae Variant Classification Sherloc (09022015). Collection method: clinical testing. Allele origin: germline.
Comment: This variant, c.2215_2217delinsTTC, is a complex sequence change that results in the deletion of 1 and insertion of 1 amino acid(s) in the NLRP1 protein (p.Glu739Phe). Information on the frequency of this variant in the gnomAD database is not available, as this variant may be reported differently in the database. This variant has not been reported in the literature in individuals affected with NLRP1-related conditions. ClinVar contains an entry for this variant (Variation ID: 1508579). An algorithm developed to predict the effect of missense changes on protein structure and function (PolyPhen-2) suggests that this variant is likely to be tolerated. In summary, the available evidence is currently insufficient to determine the role of this variant in disease. Therefore, it has been classified as a Variant of Uncertain Significance.

NM_033004.4(NLRP1):c.2215_2217inv (p.Glu739Phe)

Gene: NLRP1 (NLR family pyrin domain containing 1; minus strand). Cytogenetic location: 17p13.2.
Variant type: Inversion.
Coding change: c.2215_2217inv on transcript NM_033004.4 (MANE Select).
Protein change: p.Glu739Phe; replaces glutamic acid 739 with phenylalanine.
Molecular consequence: missense variant.
Genome position: GRCh38 VCF-style: chr17-5558479-TTC-GAA. GRCh37 (hg19) VCF-style: chr17-5461799-TTC-GAA.
Other names: c.2215_2217inv, p.Glu739Phe (NM_001033053.3, NM_014922.5, NM_033006.4 and 1 more transcripts); short protein forms E739F.
Identifiers: ClinVar variation 1508579 (VCV001508579.5), ClinGen allele CA2573153024.